The following is an entry in ClinVar:

ClinVar aggregate classification (germline): Uncertain significance (1 of 4 stars; one submission).

Submission:

Women's Health and Genetics/Laboratory Corporation of America, LabCorp
Classification: Uncertain significance. Last evaluated: 2026-02-17. Review status: criteria provided, single submitter. Criteria: LabCorp Variant Classification Summary - May 2015. Collection method: clinical testing. Allele origin: germline.
Comment: Variant summary: VPS33B c.1584G>A (p.Val528Val) alters a conserved nucleotide located close to a canonical splice site and therefore could affect mRNA splicing, leading to a significantly altered protein sequence. Several computational tools predict a significant impact on normal splicing: Three predict the variant creates a 5' donor site. One predict the variant strengthens a 5' donor site. However, these predictions have yet to be confirmed by functional studies. The variant was absent in 251426 control chromosomes. The available data on variant occurrences in the general population are insufficient to allow any conclusion about variant significance. To our knowledge, no occurrence of c.1584G>A in individuals affected with VPS33B-related conditions and no experimental evidence demonstrating its impact on protein function have been reported. No submitters have cited clinical-significance assessments for this variant to ClinVar. Based on the evidence outlined above, the variant was classified as uncertain significance.

NM_018668.5(VPS33B):c.1584G>A (p.Val528=)

Gene: VPS33B (VPS33B late endosome and lysosome associated; minus strand). Cytogenetic location: 15q26.1.
Variant type: single nucleotide variant.
Coding change: c.1584G>A on transcript NM_018668.5 (MANE Select); coding-DNA position 1584, G replaced by A.
Protein change: p.Val528=; no amino-acid change (valine 528 retained).
Molecular consequence: synonymous variant.
Genome position (GRCh38, 1-based): chr15:90,999,973, C>T on the plus strand (G>A on the coding strand, the complement: VPS33B is on the minus strand). VCF-style: chr15-90999973-C-T. GRCh37 (hg19) VCF-style: chr15-91543203-C-T.
Other names: c.1503G>A, p.Val501= (NM_001289148.1); c.1311G>A, p.Val437= (NM_001289149.1).
Identifiers: ClinVar variation 4848273 (VCV004848273.1).